The following is an entry in ClinVar:

NM_004260.4(RECQL4):c.2832T>C (p.His944=)

Gene: RECQL4 (RecQ like helicase 4; minus strand). Cytogenetic location: 8q24.3.
Variant type: single nucleotide variant.
Coding change: c.2832T>C on transcript NM_004260.4 (MANE Select); coding-DNA position 2832, T replaced by C.
Protein change: p.His944=; no amino-acid change (histidine 944 retained).
Molecular consequence: synonymous variant.
Genome position (GRCh38, 1-based): chr8:144,512,695, A>G on the plus strand (T>C on the coding strand, the complement: RECQL4 is on the minus strand). VCF-style: chr8-144512695-A-G. GRCh37 (hg19) VCF-style: chr8-145738078-A-G.
Identifiers: ClinVar variation 699458 (VCV000699458.11), dbSNP rs754047453, ClinGen allele CA4948060.
Genomic context (GRCh38, chr8:144,512,695, plus strand): 5'-TGCTTACCTGTGGGCCAGGGCCTGGAGCTGGGCAGGGCCCCCAGGGCAGTTCAGACGGCA[A>G]TGGGTATAGGTGGTCGCCAGCAGCTCCAGCCAGTGGTGTGGGTGCAGCTCCAGGTAGCAC-3'
Protein context (NP_004251.4, residues 934-954): WLELLATTYT[His944=]CRLNCPGGPA

ClinVar aggregate classification (germline): Likely benign. Review status: criteria provided, multiple submitters, no conflicts (2 of 4 stars). 2 submissions from 2 submitters: Likely benign (2). Last evaluated 2026-08-01.

Conditions:
Baller-Gerold syndrome (BGS). Also called: CRANIOSYNOSTOSIS WITH RADIAL DEFECTS. Identifiers: Orphanet 1225, MedGen C0265308, MONDO:0009039, OMIM 218600.

Allele frequency attached by ClinVar (database versions not stated): ExAC 0.00001; gnomAD 0.00001; gnomAD exomes 0.00002; TOPMed 0.00002.
gnomAD v4.1: 20 of 1,612,348 alleles (0.0012%); highest among the groups gnomAD compares: Middle Eastern, 0.016%; no homozygotes.

Submissions (2):

CeGaT Center for Human Genetics Tuebingen
Classification: Likely benign. Last evaluated: 2026-08-01. Review status: criteria provided, single submitter. Criteria: CeGaT Center For Human Genetics Tuebingen Variant Classification Criteria Version 2. Collection method: clinical testing. Allele origin: germline. Affected: yes. Observed: 2 variant alleles.
Comment: RECQL4: BP4, BP7

Labcorp Genetics (formerly Invitae), Labcorp
Classification: Likely benign for Baller-Gerold syndrome. Last evaluated: 2025-12-22. Review status: criteria provided, single submitter. Criteria: Invitae Variant Classification Sherloc (09022015). Collection method: clinical testing. Allele origin: germline.